The following is an entry in ClinVar:

NM_000377.3(WAS):c.1453+6C>G

Gene: WAS (WASP actin nucleation promoting factor; plus strand). Cytogenetic location: Xp11.23.
Variant type: single nucleotide variant.
Coding change: c.1453+6C>G on transcript NM_000377.3 (MANE Select); 6 bases into the intron after coding-DNA position 1453, C replaced by G.
Molecular consequence: intron variant.
Genome position (GRCh38, 1-based): chrX:48,689,440, C>G. VCF-style: chrX-48689440-C-G. GRCh37 (hg19) VCF-style: chrX-48547829-C-G.
Identifiers: ClinVar variation 2083630 (VCV002083630.3), dbSNP rs1407771561, ClinGen allele CA875917750.
Genomic context (GRCh38, chrX:48,689,440, plus strand): 5'-GTGGGGGCCCTGATGCACGTGATGCAGAAGAGAAGCAGAGCCATCCACTCCTCCGGTGAG[C>G]TGATCCTGCCGGGGCCTCAAACCTGGCTCCCAGGGCTAGCACTGGCCTCAAAACAATCCC-3'

ClinVar aggregate classification (germline): Uncertain significance (1 of 4 stars; one submission).

Conditions:
Thrombocytopenia 1. Also called: X-Linked Thrombocytopenia (XLT); THROMBOCYTOPENIA, X-LINKED, 1; X-linked thrombocytopenia with normal platelets. Identifiers: Orphanet 268322, Orphanet 852, MedGen C1839163, MONDO:0010743, OMIM 313900.
Wiskott-Aldrich syndrome (WAS). Also called: ALDRICH SYNDROME; IMMUNODEFICIENCY 2; WISKOTT-ALDRICH SYNDROME 1; Wiskott-aldrich syndrome, somatic. Identifiers: Orphanet 906, MedGen C0043194, MONDO:0010518, OMIM 301000.
X-linked severe congenital neutropenia (SCNX). Identifiers: Orphanet 86788, MedGen C1845987, MONDO:0010294, OMIM 300299.

Allele frequency attached by ClinVar (database versions not stated): TOPMed below 0.00001; gnomAD 0.00001.
gnomAD v4.1: 1 of 1,195,454 alleles (0.000084%); highest among the groups gnomAD compares: Non-Finnish European, 0.00011%; no homozygotes.

Submission:

Labcorp Genetics (formerly Invitae), Labcorp
Classification: Uncertain significance for Wiskott-Aldrich syndrome; X-linked severe congenital neutropenia; Thrombocytopenia 1. Last evaluated: 2025-08-04. Review status: criteria provided, single submitter. Criteria: Invitae Variant Classification Sherloc (09022015). Collection method: clinical testing. Allele origin: germline.
Comment: This sequence change falls in intron 11 of the WAS gene. It does not directly change the encoded amino acid sequence of the WAS protein. It affects a nucleotide within the consensus splice site. This variant is not present in population databases (gnomAD no frequency). This variant has not been reported in the literature in individuals affected with WAS-related conditions. ClinVar contains an entry for this variant (Variation ID: 2083630). Variants that disrupt the consensus splice site are a relatively common cause of aberrant splicing (PMID: 17576681, 9536098). Algorithms developed to predict the effect of sequence changes on RNA splicing suggest that this variant may disrupt the consensus splice site. In summary, the available evidence is currently insufficient to determine the role of this variant in disease. Therefore, it has been classified as a Variant of Uncertain Significance.

Literature cited by the submitters: PubMed 17576681; PubMed 9536098.